The following is an entry in ClinVar:

ClinVar aggregate classification (germline): Conflicting classifications of pathogenicity. Review status: criteria provided, conflicting classifications (1 of 4 stars). 3 submissions from 3 submitters: Uncertain significance (2); Likely benign (1). Last evaluated 2024-06-28.

Conditions:
Inborn genetic diseases. Identifiers: MedGen C0950123, MeSH D030342.

Allele frequency attached by ClinVar (database versions not stated): gnomAD 0.00008; TOPMed 0.00009.
gnomAD v4.1: 95 of 1,549,984 alleles (0.0061%); highest among the groups gnomAD compares: Admixed American, 0.051%; no homozygotes.

Submissions (3):

Ambry Genetics
Classification: Likely benign for Inborn genetic diseases. Last evaluated: 2024-06-28. Review status: criteria provided, single submitter. Criteria: Ambry Variant Classification Scheme 2023. Collection method: clinical testing. Allele origin: germline.

GeneDx
Classification: Uncertain significance. Last evaluated: 2024-05-23. Review status: criteria provided, single submitter. Criteria: GeneDx Variant Classification Process June 2021. Collection method: clinical testing. Allele origin: germline. Affected: yes.
Comment: In silico analysis indicates that this missense variant does not alter protein structure/function; Has not been previously published as pathogenic or benign to our knowledge

Labcorp Genetics (formerly Invitae), Labcorp
Classification: Uncertain significance. Last evaluated: 2022-10-13. Review status: criteria provided, single submitter. Criteria: Invitae Variant Classification Sherloc (09022015). Collection method: clinical testing. Allele origin: germline.
Comment: This sequence change replaces arginine, which is basic and polar, with glutamine, which is neutral and polar, at codon 50 of the AGPS protein (p.Arg50Gln). This variant is present in population databases (rs754647491, gnomAD 0.07%). This variant has not been reported in the literature in individuals affected with AGPS-related conditions. Algorithms developed to predict the effect of missense changes on protein structure and function output the following: SIFT: "Tolerated"; PolyPhen-2: "Benign"; Align-GVGD: "Class C0". The glutamine amino acid residue is found in multiple mammalian species, which suggests that this missense change does not adversely affect protein function. In summary, the available evidence is currently insufficient to determine the role of this variant in disease. Therefore, it has been classified as a Variant of Uncertain Significance.

NM_003659.4(AGPS):c.149G>A (p.Arg50Gln)

Genes: AGPS (alkylglycerone phosphate synthase; plus strand), LOC129935172 (ATAC-STARR-seq lymphoblastoid silent region 12147; plus strand). Cytogenetic location: 2q31.2.
Variant type: single nucleotide variant.
Coding change: c.149G>A on transcript NM_003659.4 (MANE Select); coding-DNA position 149, G replaced by A.
Protein change: p.Arg50Gln; replaces arginine 50 with glutamine.
Molecular consequence: missense variant.
Genome position (GRCh38, 1-based): chr2:177,392,938, G>A. VCF-style: chr2-177392938-G-A. GRCh37 (hg19) VCF-style: chr2-178257666-G-A.
Other names: c.149G>A (NM_003659.3); short protein forms R50Q.
Identifiers: ClinVar variation 2046339 (VCV002046339.3), dbSNP rs754647491, ClinGen allele CA1980013.